The following is an entry in ClinVar:

ClinVar aggregate classification (germline): Conflicting classifications of pathogenicity. Review status: criteria provided, conflicting classifications (1 of 4 stars). 2 submissions from 2 submitters: Uncertain significance (1); Likely benign (1). Last evaluated 2025-04-29.

Conditions:
Gorlin syndrome. Also called: Basal cell nevus syndrome; Nevoid Basal Cell Carcinoma Syndrome. Identifiers: Orphanet 377, MedGen C0004779, MONDO:0007187.
Hereditary cancer-predisposing syndrome. Also called: Hereditary neoplastic syndrome; Hereditary Cancer Syndrome; Neoplastic Syndromes, Hereditary; Tumor predisposition. Identifiers: Orphanet 140162, MedGen C0027672, MeSH D009386, MONDO:0015356.

Allele frequency attached by ClinVar (database versions not stated): gnomAD exomes 0.00001 and below 0.00001; ExAC 0.00001.
gnomAD v4.1: 3 of 1,612,970 alleles (0.00019%); highest among the groups gnomAD compares: East Asian, 0.0022%; no homozygotes.

Submissions (2):

Ambry Genetics
Classification: Uncertain significance for Hereditary cancer-predisposing syndrome. Last evaluated: 2025-04-29. Review status: criteria provided, single submitter. Criteria: Ambry Variant Classification Scheme 2023. Collection method: clinical testing. Allele origin: germline.
Comment: The p.H1347Y variant (also known as c.4039C>T), located in coding exon 23 of the PTCH1 gene, results from a C to T substitution at nucleotide position 4039. The histidine at codon 1347 is replaced by tyrosine, an amino acid with similar properties. This amino acid position is not well conserved in available vertebrate species. In addition, the in silico prediction for this alteration is inconclusive. Based on the available evidence, the clinical significance of this variant remains unclear.

Labcorp Genetics (formerly Invitae), Labcorp
Classification: Likely benign for Gorlin syndrome. Last evaluated: 2024-04-05. Review status: criteria provided, single submitter. Criteria: Invitae Variant Classification Sherloc (09022015). Collection method: clinical testing. Allele origin: germline.

NM_000264.5(PTCH1):c.4039C>T (p.His1347Tyr)

Gene: PTCH1 (patched 1; minus strand). Cytogenetic location: 9q22.32.
Variant type: single nucleotide variant.
Coding change: c.4039C>T on transcript NM_000264.5 (MANE Select); coding-DNA position 4039, C replaced by T.
Protein change: p.His1347Tyr; replaces histidine 1347 with tyrosine.
Molecular consequence: missense variant. On other transcripts: non-coding transcript variant (1).
Genome position (GRCh38, 1-based): chr9:95,447,217, G>A on the plus strand (C>T on the coding strand, the complement: PTCH1 is on the minus strand). VCF-style: chr9-95447217-G-A. GRCh37 (hg19) VCF-style: chr9-98209499-G-A.
Other names: c.3841C>T, p.His1281Tyr (NM_001083602.3); c.4036C>T, p.His1346Tyr (NM_001083603.3); c.3586C>T, p.His1196Tyr (NM_001083604.3, NM_001083605.3, NM_001083606.3 and 1 more transcripts); c.3883C>T, p.His1295Tyr (NM_001354918.2); c.4039C>T (NM_000264.3); short protein forms H1196Y, H1281Y, H1347Y, H1295Y, H1346Y.
Identifiers: ClinVar variation 1374075 (VCV001374075.7), dbSNP rs760724368, ClinGen allele CA5137971.